The following is an entry in ClinVar:

ClinVar aggregate classification (germline): Uncertain significance (1 of 4 stars; one submission).

Conditions:
Hereditary cancer-predisposing syndrome. Also called: Tumor predisposition; Neoplastic Syndromes, Hereditary; Hereditary Cancer Syndrome; Hereditary neoplastic syndrome. Identifiers: Orphanet 140162, MedGen C0027672, MeSH D009386, MONDO:0015356.

Submission:

Ambry Genetics
Classification: Uncertain significance for Hereditary cancer-predisposing syndrome. Last evaluated: 2024-08-14. Review status: criteria provided, single submitter. Criteria: Ambry Variant Classification Scheme 2023. Collection method: clinical testing. Allele origin: germline.
Comment: The p.L840Q variant (also known as c.2519T>A), located in coding exon 15 of the DICER1 gene, results from a T to A substitution at nucleotide position 2519. The leucine at codon 840 is replaced by glutamine, an amino acid with dissimilar properties. This amino acid position is conserved. In addition, this alteration is predicted to be tolerated by in silico analysis. Based on the available evidence, the clinical significance of this variant remains unclear.

NM_177438.3(DICER1):c.2519T>A (p.Leu840Gln)

Gene: DICER1 (dicer 1, ribonuclease III; minus strand). Cytogenetic location: 14q32.13.
Variant type: single nucleotide variant.
Coding change: c.2519T>A on transcript NM_177438.3 (MANE Select); coding-DNA position 2519, T replaced by A.
Protein change: p.Leu840Gln; replaces leucine 840 with glutamine.
Molecular consequence: missense variant. On other transcripts: non-coding transcript variant (6).
Genome position (GRCh38, 1-based): chr14:95,108,011, A>T on the plus strand (T>A on the coding strand, the complement: DICER1 is on the minus strand). VCF-style: chr14-95108011-A-T. GRCh37 (hg19) VCF-style: chr14-95574348-A-T.
Other names: c.2519T>A, p.Leu840Gln (NM_001195573.1, NM_001271282.3, NM_001291628.2 and 12 more transcripts); c.2237T>A, p.Leu746Gln (NM_001395686.1); c.2114T>A, p.Leu705Gln (NM_001395687.1, NM_001395688.1, NM_001395689.1 and 2 more transcripts); c.1952T>A, p.Leu651Gln (NM_001395691.1); c.836T>A, p.Leu279Gln (NM_001395697.1); short protein forms L746Q, L651Q, L705Q, L840Q, L279Q.
Identifiers: ClinVar variation 3501879 (VCV003501879.1).